The following is an entry in ClinVar:

NM_001199397.3(NEK1):c.1562+170_1562+171dup

Gene: NEK1 (NIMA related kinase 1; minus strand). Cytogenetic location: 4q33.
Variant type: Duplication.
Coding change: c.1562+170_1562+171dup on transcript NM_001199397.3 (MANE Select); bases 170 to 171 of the intron after coding-DNA position 1562, 2 bases duplicated (TG; older notation c.1562+170_1562+171dupTG).
Molecular consequence: intron variant.
Genome position (GRCh38, 1-based): chr4:169,555,549-169,555,550, CA duplicated on the plus strand (TG on the coding strand, the reverse complement: NEK1 is on the minus strand). VCF-style (leftmost placement, unchanged base first): chr4-169555548-T-TCA. GRCh37 (hg19) VCF-style: chr4-170476699-T-TCA.
Other names: c.1436+170_1436+171dup (NM_001374421.1); c.1511+170_1511+171dup (NM_001374420.1); c.1355+382_1355+383dup (NM_001199399.3); c.1430+382_1430+383dup (NM_001199398.3, NM_001199400.3); c.1562+170_1562+171dup (NM_001374419.1, NM_012224.4, NM_001374418.1).
Identifiers: ClinVar variation 667924 (VCV000667924.1), dbSNP rs60346576, ClinGen allele CA109926885.
Genomic context (GRCh38, chr4:169,555,548, plus strand): 5'-TTCAGTCTAAACCCACAAACAAGACACAAAAATCAGGCTGAACTGGAAAGCTACATGCTT[T>TCA]CAGAGTAATCAAGGGCCAAATTTGCACCTCAGAAAATTATTGTACCCAAGAGGCAAAAAA-3'

ClinVar aggregate classification (germline): Benign (1 of 4 stars; one submission).

Allele frequency attached by ClinVar (database versions not stated): 1000 Genomes Project 30x 0.98376; 1000 Genomes Project 0.98542; TOPMed 0.98657; gnomAD 0.98682 and 0.98766; gnomAD exomes 0.99825.

Submission:

GeneDx
Classification: Benign. Last evaluated: 2018-06-14. Review status: criteria provided, single submitter. Criteria: GeneDx Variant Classification (06012015). Collection method: clinical testing. Allele origin: germline. Affected: yes.
Comment: This variant is considered likely benign or benign based on one or more of the following criteria: it is a conservative change, it occurs at a poorly conserved position in the protein, it is predicted to be benign by multiple in silico algorithms, and/or has population frequency not consistent with disease.